The following is an entry in ClinVar:

NM_014244.5(ADAMTS2):c.1951+3G>T

Gene: ADAMTS2 (ADAM metallopeptidase with thrombospondin type 1 motif 2; minus strand). Cytogenetic location: 5q35.3.
Variant type: single nucleotide variant.
Coding change: c.1951+3G>T on transcript NM_014244.5 (MANE Select); 3 bases into the intron after coding-DNA position 1951, G replaced by T.
Molecular consequence: intron variant.
Genome position (GRCh38, 1-based): chr5:179,137,766, C>A on the plus strand (G>T on the coding strand, the complement: ADAMTS2 is on the minus strand). VCF-style: chr5-179137766-C-A. GRCh37 (hg19) VCF-style: chr5-178564767-C-A.
Identifiers: ClinVar variation 1358900 (VCV001358900.3), dbSNP rs1181830676, ClinGen allele CA564902351.
Genomic context (GRCh38, chr5:179,137,766, plus strand): 5'-CCACCCTGCCCACCCTAGGGCCTGCCTGCTGAGCCCCCACTGATGCCTCCCAGAAGGGCT[C>A]ACCATCCCGGTGCTCGTGGGGCAGCCAGTGGTGCTGGGCGTCGCCGTGCTCGAAGTACAG-3'

ClinVar aggregate classification (germline): Uncertain significance (1 of 4 stars; one submission).

Conditions:
Ehlers-Danlos syndrome, dermatosparaxis type. Also called: Dermatosparaxis; Ehlers-Danlos syndrome, type VII, autosomal recessive; EDS VIIC. Identifiers: Orphanet 1901, MedGen C2700425, MONDO:0009161, OMIM 225410.

Allele frequency attached by ClinVar (database versions not stated): TOPMed below 0.00001; gnomAD exomes 0.00001.
gnomAD v4.1: 3 of 1,562,832 alleles (0.00019%); highest among the groups gnomAD compares: Admixed American, 0.0055%; no homozygotes.

Submission:

Labcorp Genetics (formerly Invitae), Labcorp
Classification: Uncertain significance for Ehlers-Danlos syndrome, dermatosparaxis type. Last evaluated: 2021-03-17. Review status: criteria provided, single submitter. Criteria: Invitae Variant Classification Sherloc (09022015). Collection method: clinical testing. Allele origin: germline.
Comment: This sequence change falls in intron 12 of the ADAMTS2 gene. It does not directly change the encoded amino acid sequence of the ADAMTS2 protein. It affects a nucleotide within the consensus splice site of the intron. This variant is not present in population databases (ExAC no frequency). This variant has not been reported in the literature in individuals with ADAMTS2-related conditions. Nucleotide substitutions within the consensus splice site are a relatively common cause of aberrant splicing (PMID: 17576681, 9536098). Algorithms developed to predict the effect of sequence changes on RNA splicing suggest that this variant may disrupt the consensus splice site, but this prediction has not been confirmed by published transcriptional studies. In summary, the available evidence is currently insufficient to determine the role of this variant in disease. Therefore, it has been classified as a Variant of Uncertain Significance.

Literature cited by the submitters: PubMed 17576681; PubMed 9536098.